The following is an entry in ClinVar:

ClinVar aggregate classification (germline): Conflicting classifications of pathogenicity. Review status: criteria provided, conflicting classifications (1 of 4 stars). 3 submissions from 3 submitters: Uncertain significance (2); Likely benign (1). Last evaluated 2026-01-28.

Conditions:
Inborn genetic diseases. Identifiers: MedGen C0950123, MeSH D030342.

Allele frequency attached by ClinVar (database versions not stated): ExAC 0.00002; gnomAD exomes 0.00003; gnomAD 0.00008 and 0.00009; TOPMed 0.00011; ESP Exome Variant Server 0.00015.
gnomAD v4.1: 21 of 1,614,076 alleles (0.0013%); highest among the groups gnomAD compares: African/African-American, 0.024%; no homozygotes.

Submissions (3):

Labcorp Genetics (formerly Invitae), Labcorp
Classification: Likely benign. Last evaluated: 2026-01-28. Review status: criteria provided, single submitter. Criteria: Invitae Variant Classification Sherloc (09022015). Collection method: clinical testing. Allele origin: germline.

Women's Health and Genetics/Laboratory Corporation of America, LabCorp
Classification: Uncertain significance. Last evaluated: 2024-05-31. Review status: criteria provided, single submitter. Criteria: LabCorp Variant Classification Summary - May 2015. Collection method: clinical testing. Allele origin: germline.
Comment: Variant summary: NBAS c.5852A>G (p.Tyr1951Cys) results in a non-conservative amino acid change in the encoded protein sequence. Four of five in-silico tools predict a damaging effect of the variant on protein function. The variant allele was found at a frequency of 2.8e-05 in 251444 control chromosomes. The available data on variant occurrences in the general population are insufficient to allow any conclusion about variant significance. To our knowledge, no occurrence of c.5852A>G in individuals affected with Liver Failure Acute Infantile, Type 2 and no experimental evidence demonstrating its impact on protein function have been reported. ClinVar contains an entry for this variant (Variation ID: 1489689). Based on the evidence outlined above, the variant was classified as uncertain significance.

Ambry Genetics
Classification: Uncertain significance for Inborn genetic diseases. Last evaluated: 2024-02-05. Review status: criteria provided, single submitter. Criteria: Ambry Variant Classification Scheme 2023. Collection method: clinical testing. Allele origin: germline.

NM_015909.4(NBAS):c.5852A>G (p.Tyr1951Cys)

Gene: NBAS (NBAS subunit of NRZ tethering complex; minus strand). Cytogenetic location: 2p24.3.
Variant type: single nucleotide variant.
Coding change: c.5852A>G on transcript NM_015909.4 (MANE Select); coding-DNA position 5852, A replaced by G.
Protein change: p.Tyr1951Cys; replaces tyrosine 1951 with cysteine.
Molecular consequence: missense variant. On other transcripts: non-coding transcript variant (1).
Genome position (GRCh38, 1-based): chr2:15,238,559, T>C on the plus strand (A>G on the coding strand, the complement: NBAS is on the minus strand). VCF-style: chr2-15238559-T-C. GRCh37 (hg19) VCF-style: chr2-15378683-T-C.
Other names: c.5852A>G (NM_015909.2); short protein forms Y1951C.
Identifiers: ClinVar variation 1489689 (VCV001489689.8), dbSNP rs149632545, ClinGen allele CA1535185.